The following is an entry in ClinVar:

NM_002641.4(PIGA):c.56G>A (p.Arg19Gln)

Gene: PIGA (phosphatidylinositol glycan anchor biosynthesis class A; minus strand). Cytogenetic location: Xp22.2.
Variant type: single nucleotide variant.
Coding change: c.56G>A on transcript NM_002641.4 (MANE Select); coding-DNA position 56, G replaced by A.
Protein change: p.Arg19Gln; replaces arginine 19 with glutamine.
Molecular consequence: missense variant. On other transcripts: non-coding transcript variant (2), intron variant (1).
Genome position (GRCh38, 1-based): chrX:15,331,875, C>T on the plus strand (G>A on the coding strand, the complement: PIGA is on the minus strand). VCF-style: chrX-15331875-C-T. GRCh37 (hg19) VCF-style: chrX-15349997-C-T.
Other names: c.13+3626G>A (NM_020473.3); c.56G>A (LRG_160t1); short protein forms R19Q.
Identifiers: ClinVar variation 488577 (VCV000488577.13), dbSNP rs1555945553, ClinGen allele CA412341443.
Genomic context (GRCh38, chrX:15,331,875, plus strand): 5'-GATACCATGCATATATTATGGGTACGGGTTCTACATGTGTAAAGACTTCCAGGGCTAACC[C>T]GAGAGAGTGTAGCTGAGGCACGGTGGCCATTCCCAGCTCCTCCTCTACAGGCCATGCTGA-3'
Protein context (NP_002632.1, residues 9-29): NGHRASATLS[Arg19Gln]VSPGSLYTCR

ClinVar aggregate classification (germline): Conflicting classifications of pathogenicity. Review status: criteria provided, conflicting classifications (1 of 4 stars). 7 submissions from 7 submitters: Pathogenic (1); Likely pathogenic (5); Uncertain significance (1). Last evaluated 2025-06-27.

Conditions:
Multiple congenital anomalies-hypotonia-seizures syndrome 2 (MCAHS2). Also called: GLYCOSYLPHOSPHATIDYLINOSITOL BIOSYNTHESIS DEFECT 4; EPILEPTIC ENCEPHALOPATHY, EARLY INFANTILE, 20. Identifiers: Orphanet 300496, MedGen C3275508, MONDO:0010466, OMIM 300868.

Submissions (7):

GeneDx
Classification: Likely pathogenic. Last evaluated: 2025-06-27. Review status: criteria provided, single submitter. Criteria: GeneDx Variant Classification Process June 2021. Collection method: clinical testing. Allele origin: germline.
Comment: Not observed at significant frequency in large population cohorts (gnomAD); In silico analysis suggests that this missense variant does not alter protein structure/function; In silico analysis suggests this variant may impact gene splicing. In the absence of RNA/functional studies, the actual effect of this sequence change is unknown.; This variant is associated with the following publications: (PMID: 32694024, 34782754, 32452540)

Labcorp Genetics (formerly Invitae), Labcorp
Classification: Pathogenic for Multiple congenital anomalies-hypotonia-seizures syndrome 2. Last evaluated: 2024-06-18. Review status: criteria provided, single submitter. Criteria: Invitae Variant Classification Sherloc (09022015). Collection method: clinical testing. Allele origin: germline.
Comment: This sequence change replaces arginine, which is basic and polar, with glutamine, which is neutral and polar, at codon 19 of the PIGA protein (p.Arg19Gln). This variant is not present in population databases (gnomAD no frequency). This missense change has been observed in individual(s) with clinical features of PIGA-related conditions (PMID: 32452540, 32694024, 34782754). In at least one individual the variant was observed to be de novo. ClinVar contains an entry for this variant (Variation ID: 488577). Advanced modeling of protein sequence and biophysical properties (such as structural, functional, and spatial information, amino acid conservation, physicochemical variation, residue mobility, and thermodynamic stability) performed at Invitae indicates that this missense variant is not expected to disrupt PIGA protein function with a negative predictive value of 95%. Algorithms developed to predict the effect of sequence changes on RNA splicing suggest that this variant may create or strengthen a splice site. For these reasons, this variant has been classified as Pathogenic.

Institute of Human Genetics Munich, TUM University Hospital
Classification: Likely pathogenic for Multiple congenital anomalies-hypotonia-seizures syndrome 2. Last evaluated: 2017-11-16. Review status: criteria provided, single submitter. Criteria: Classification criteria August 2017. Collection method: clinical testing. Allele origin: de novo. Inheritance: X-linked inheritance. Affected: yes. Observed: 1 hemizygote.

Equipe Genetique des Anomalies du Developpement, Université de Bourgogne
Classification: Likely pathogenic for Multiple congenital anomalies-hypotonia-seizures syndrome 2. Review status: criteria provided, single submitter. Criteria: ACMG Guidelines, 2015. Collection method: clinical testing. Allele origin: maternal. Affected: yes.

Juno Genomics, Hangzhou Juno Genomics, Inc
Classification: Likely pathogenic for Multiple congenital anomalies-hypotonia-seizures syndrome 2. Review status: criteria provided, single submitter. Criteria: ACMG Guidelines, 2015. Collection method: clinical testing. Allele origin: germline. Affected: yes.
Comment: Absent from controls (or at extremely low frequency if recessive) in Genome Aggregation Database.;Multiple lines of computational evidence support a deleterious effect on the gene or gene product.;The prevalence of the variant in affected individuals is significantly increased compared to the prevalence in controls.;Assumed de novo, but without confirmation of paternity and maternity.;Patient's phenotype or family history is highly specific for a disease with a single genetic etiology.

Laboratoire de Génétique Moléculaire, CHU Bordeaux
Classification: Likely pathogenic. Review status: criteria provided, single submitter. Criteria: ACMG Guidelines, 2015. Collection method: clinical testing. Allele origin: germline. Affected: yes.

Neuberg Centre For Genomic Medicine, NCGM
Classification: Uncertain significance for Multiple congenital anomalies-hypotonia-seizures syndrome 2. Review status: criteria provided, single submitter. Criteria: ACMG Guidelines, 2015. Collection method: clinical testing. Allele origin: germline. Inheritance: X-linked inheritance. Affected: yes.
Comment: The missense c.56G>A(p.Arg19Gln) variant in PIGA gene has been reported in individual(s) affected with PIGA-associated congenital disorders (Bayat A, et. al., 2020). The p.Arg19Gln variant is novel (not in any individuals) in both gnomAD Exomes and 1000 Genomes databases. This variant has been reported to the ClinVar database as Likely Pathogenic. The amino acid Arg at position 19 is changed to a Gln changing protein sequence and it might alter its composition and physico-chemical properties. However, additional functional studies are required to prove the pathogenicity of this variant. For these reasons, this variant has been classified as a Variant of Uncertain Significance (VUS).

Literature cited by the submitters: PubMed 32452540 (cited by Labcorp Genetics (formerly Invitae), Labcorp); PubMed 32694024 (cited by Labcorp Genetics (formerly Invitae), Labcorp); PubMed 34782754 (cited by Labcorp Genetics (formerly Invitae), Labcorp and Equipe Genetique des Anomalies du Developpement, Université de Bourgogne).